The following is an entry in ClinVar:

NM_006393.3(NEBL):c.740A>G (p.Asn247Ser)

Gene: NEBL (nebulette; minus strand). Cytogenetic location: 10p12.31.
Variant type: single nucleotide variant.
Coding change: c.740A>G on transcript NM_006393.3 (MANE Select); coding-DNA position 740, A replaced by G.
Protein change: p.Asn247Ser; replaces asparagine 247 with serine.
Molecular consequence: missense variant. On other transcripts: intron variant (9).
Genome position (GRCh38, 1-based): chr10:20,859,771, T>C on the plus strand (A>G on the coding strand, the complement: NEBL is on the minus strand). VCF-style: chr10-20859771-T-C. GRCh37 (hg19) VCF-style: chr10-21148700-T-C.
Other names: c.250-46831A>G (NM_001377326.1, NM_001377327.1, NM_001377328.1); c.358-46831A>G (NM_213569.2, NM_001173484.2, NM_001377322.1); c.301-46831A>G (NM_001377324.1); c.292-46831A>G (NM_001377325.1); c.310-46831A>G (NM_001377323.1); short protein forms N247S.
Identifiers: ClinVar variation 1393854 (VCV001393854.10), dbSNP rs147901148, ClinGen allele CA5433123.
Genomic context (GRCh38, chr10:20,859,771, plus strand): 5'-ACATTGCTCGCCAGTGTAGCAGCAAGCTGATTCTGCCTAAAAGAAGCACTTTCAAGAGGA[T>C]TGTAATGATGTTTCTTATCCTTCATTTCATTATCAAATTTTTCTTTGTATTTAATCTGTC-3'
Protein context (NP_006384.1, residues 237-257): NEMKDKKHHY[Asn247Ser]PLESASFRQN

ClinVar aggregate classification (germline): Conflicting classifications of pathogenicity. Review status: criteria provided, conflicting classifications (1 of 4 stars). 2 submissions from 2 submitters: Uncertain significance (1); Likely benign (1). Last evaluated 2024-09-12.

Conditions:
Primary dilated cardiomyopathy (DCM). Also called: Dilated Cardiomyopathy. Identifiers: Orphanet 217604, MedGen C0007193, MeSH D002311, MONDO:0005021, HP:0001644. Inheritance: Various modes of inheritance.

Allele frequency attached by ClinVar (database versions not stated): gnomAD exomes 0.00004 and 0.00005; gnomAD 0.00005 and 0.00006; TOPMed 0.00005; ExAC 0.00006; ESP Exome Variant Server 0.00015.
gnomAD v4.1: 64 of 1,604,132 alleles (0.004%); highest among the groups gnomAD compares: African/African-American, 0.0054%; no homozygotes.

Submissions (2):

Labcorp Genetics (formerly Invitae), Labcorp
Classification: Uncertain significance for Primary dilated cardiomyopathy. Last evaluated: 2024-09-12. Review status: criteria provided, single submitter. Criteria: Invitae Variant Classification Sherloc (09022015). Collection method: clinical testing. Allele origin: germline.
Comment: This sequence change replaces asparagine, which is neutral and polar, with serine, which is neutral and polar, at codon 247 of the NEBL protein (p.Asn247Ser). This variant is present in population databases (rs147901148, gnomAD 0.008%). This variant has not been reported in the literature in individuals affected with NEBL-related conditions. ClinVar contains an entry for this variant (Variation ID: 1393854). An algorithm developed to predict the effect of missense changes on protein structure and function outputs the following: PolyPhen-2: "Benign". The serine amino acid residue is found in multiple mammalian species, which suggests that this missense change does not adversely affect protein function. In summary, the available evidence is currently insufficient to determine the role of this variant in disease. Therefore, it has been classified as a Variant of Uncertain Significance.

Ambry Genetics
Classification: Likely benign. Last evaluated: 2021-09-09. Review status: criteria provided, single submitter. Criteria: Ambry Variant Classification Scheme 2023. Collection method: clinical testing. Allele origin: germline.